The following is an entry in ClinVar:

ClinVar aggregate classification (germline): Uncertain significance. Review status: criteria provided, multiple submitters, no conflicts (2 of 4 stars). 3 submissions from 3 submitters: Uncertain significance (3). Last evaluated 2024-08-11.

Conditions:
Huntington disease-like 1 (HDL1). Also called: HUNTINGTON-LIKE NEURODEGENERATIVE DISORDER 1; HUNTINGTON-LIKE NEURODEGENERATIVE DISORDER, AUTOSOMAL DOMINANT; PRION DISEASE, EARLY-ONSET, WITH PROMINENT PSYCHIATRIC FEATURES. Identifiers: Orphanet 157941, MedGen C1864112, MONDO:0011299, OMIM 603218.
Inborn genetic diseases. Identifiers: MedGen C0950123, MeSH D030342.

Submissions (3):

Ambry Genetics
Classification: Uncertain significance for Inborn genetic diseases. Last evaluated: 2024-08-11. Review status: criteria provided, single submitter. Criteria: Ambry Variant Classification Scheme 2023. Collection method: clinical testing. Allele origin: germline.

Revvity Omics, Revvity
Classification: Uncertain significance. Last evaluated: 2022-08-30. Review status: criteria provided, single submitter. Criteria: ACMG Guidelines, 2015. Collection method: clinical testing. Allele origin: germline.

Labcorp Genetics (formerly Invitae), Labcorp
Classification: Uncertain significance for Huntington disease-like 1. Last evaluated: 2021-02-28. Review status: criteria provided, single submitter. Criteria: Invitae Variant Classification Sherloc (09022015). Collection method: clinical testing. Allele origin: germline.
Comment: This variant has not been reported in the literature in individuals with PRNP-related conditions. This variant is not present in population databases (ExAC no frequency). This sequence change replaces arginine with leucine at codon 151 of the PRNP protein (p.Arg151Leu). The arginine residue is moderately conserved and there is a moderate physicochemical difference between arginine and leucine. In summary, the available evidence is currently insufficient to determine the role of this variant in disease. Therefore, it has been classified as a Variant of Uncertain Significance. Algorithms developed to predict the effect of missense changes on protein structure and function are either unavailable or do not agree on the potential impact of this missense change (SIFT: "Tolerated"; PolyPhen-2: "Possibly Damaging"; Align-GVGD: "Class C0").

NM_000311.5(PRNP):c.452G>T (p.Arg151Leu)

Gene: PRNP (prion protein (Kanno blood group); plus strand). Cytogenetic location: 20p13.
Variant type: single nucleotide variant.
Coding change: c.452G>T on transcript NM_000311.5 (MANE Select); coding-DNA position 452, G replaced by T.
Protein change: p.Arg151Leu; replaces arginine 151 with leucine.
Molecular consequence: missense variant. On other transcripts: 3 prime UTR variant (1).
Genome position (GRCh38, 1-based): chr20:4,699,672, G>T. VCF-style: chr20-4699672-G-T. GRCh37 (hg19) VCF-style: chr20-4680318-G-T.
Other names: c.452G>T (NM_000311.3); c.452G>T, p.Arg151Leu (NM_001080121.3, NM_001080122.3, NM_001080123.3 and 1 more transcripts); c.*141G>T (NM_001271561.3); short protein forms R151L.
Identifiers: ClinVar variation 1398824 (VCV001398824.11), dbSNP rs779113268, ClinGen allele CA408152379.
Genomic context (GRCh38, chr20:4,699,672, plus strand): 5'-GAAGTGCCATGAGCAGGCCCATCATACATTTCGGCAGTGACTATGAGGACCGTTACTATC[G>T]TGAAAACATGCACCGTTACCCCAACCAAGTGTACTACAGGCCCATGGATGAGTACAGCAA-3'
Protein context (NP_000302.1, residues 141-161): FGSDYEDRYY[Arg151Leu]ENMHRYPNQV